The following is an entry in ClinVar:

NM_170606.3(KMT2C):c.2795A>C (p.Asn932Thr)

Gene: KMT2C (lysine methyltransferase 2C; minus strand). Cytogenetic location: 7q36.1.
Variant type: single nucleotide variant.
Coding change: c.2795A>C on transcript NM_170606.3 (MANE Select); coding-DNA position 2795, A replaced by C.
Protein change: p.Asn932Thr; replaces asparagine 932 with threonine.
Molecular consequence: missense variant.
Genome position (GRCh38, 1-based): chr7:152,230,296, T>G on the plus strand (A>C on the coding strand, the complement: KMT2C is on the minus strand). VCF-style: chr7-152230296-T-G. GRCh37 (hg19) VCF-style: chr7-151927381-T-G.
Other names: short protein forms N932T.
Identifiers: ClinVar variation 4881278 (VCV004881278.2).

ClinVar aggregate classification (germline): Uncertain significance (1 of 4 stars; one submission).

gnomAD v4.1: 1 of 1,586,422 alleles (0.000063%); highest among the groups gnomAD compares: Non-Finnish European, 0.000086%; no homozygotes.

Submission:

Dasa
Classification: Uncertain significance. Last evaluated: 2026-01-30. Review status: criteria provided, single submitter. Criteria: DASA Assertion Criteria. Collection method: clinical testing. Allele origin: germline.
Comment: NM_170606.3(KMT2C):c.2795A>C (p.Asn932Thr) is a missense variant that results in the substitution of asparagine with threonine. This variant is rare in population databases. The currently available literature and clinical evidence are not sufficient to establish a definitive association between this variant and the reported condition. Therefore, this variant is classified as a variant of uncertain significance.